The following is an entry in ClinVar:

NM_198525.3(KIF7):c.2896-17G>A

Gene: KIF7 (kinesin family member 7; minus strand). Cytogenetic location: 15q26.1.
Variant type: single nucleotide variant.
Coding change: c.2896-17G>A on transcript NM_198525.3 (MANE Select); 17 bases into the intron before coding-DNA position 2896, G replaced by A.
Molecular consequence: intron variant.
Genome position (GRCh38, 1-based): chr15:89,631,727, C>T on the plus strand (G>A on the coding strand, the complement: KIF7 is on the minus strand). VCF-style: chr15-89631727-C-T. GRCh37 (hg19) VCF-style: chr15-90174958-C-T.
Identifiers: ClinVar variation 1462165 (VCV001462165.9), dbSNP rs935084157, ClinGen allele CA274566621.

ClinVar aggregate classification (germline): Uncertain significance. Review status: criteria provided, multiple submitters, no conflicts (2 of 4 stars). 2 submissions from 2 submitters: Uncertain significance (2). Last evaluated 2024-01-14.

Conditions:
Acrocallosal syndrome (ACLS). Also called: HALLUX DUPLICATION, POSTAXIAL POLYDACTYLY, AND ABSENCE OF CORPUS CALLOSUM; Schinzel syndrome 1; Absence of corpus callosum with unusual facial appearance, mental deficiency, duplication of the halluces and polydactyly. Identifiers: Orphanet 36, MedGen C0796147, MONDO:0008708, OMIM 200990.
Multiple epiphyseal dysplasia, Al-Gazali type. Also called: Macrocephaly with multiple epiphyseal dysplasia and distinctive facies. Identifiers: Orphanet 166024, MedGen C1846722, MONDO:0011778, OMIM 607131.
Hydrolethalus syndrome 2 (HLS2). Identifiers: Orphanet 2189, MedGen C3279899, MONDO:0013585, OMIM 614120.

Allele frequency attached by ClinVar (database versions not stated): gnomAD exomes 0.00001.
gnomAD v4.1: 8 of 1,544,582 alleles (0.00052%); highest among the groups gnomAD compares: East Asian, 0.012%; no homozygotes.

Submissions (2):

Fulgent Genetics
Classification: Uncertain significance for Acrocallosal syndrome; Multiple epiphyseal dysplasia, Al-Gazali type; Hydrolethalus syndrome 2. Last evaluated: 2024-01-14. Review status: criteria provided, single submitter. Criteria: ACMG Guidelines, 2015. Collection method: clinical testing. Allele origin: germline.

Labcorp Genetics (formerly Invitae), Labcorp
Classification: Uncertain significance for Acrocallosal syndrome. Last evaluated: 2020-11-20. Review status: criteria provided, single submitter. Criteria: Invitae Variant Classification Sherloc (09022015). Collection method: clinical testing. Allele origin: germline.
Comment: In summary, the available evidence is currently insufficient to determine the role of this variant in disease. Therefore, it has been classified as a Variant of Uncertain Significance. Algorithms developed to predict the effect of sequence changes on RNA splicing suggest that this variant may create or strengthen a splice site, but this prediction has not been confirmed by published transcriptional studies. This variant has not been reported in the literature in individuals with KIF7-related conditions. The frequency data for this variant in the population databases is considered unreliable, as metrics indicate insufficient coverage at this position in the ExAC database. This sequence change falls in intron 14 of the KIF7 gene. It does not directly change the encoded amino acid sequence of the KIF7 protein.